The following is an entry in ClinVar:

ClinVar aggregate classification (germline): Pathogenic (1 of 4 stars; one submission).

Conditions:
Fabry disease. Also called: ALPHA-GALACTOSIDASE A DEFICIENCY; ANDERSON-FABRY DISEASE; CERAMIDE TRIHEXOSIDASE DEFICIENCY; GLA DEFICIENCY; HEREDITARY DYSTOPIC LIPIDOSIS; Angiokeratoma corporis diffusum. Identifiers: Orphanet 324, MedGen C0002986, MONDO:0010526, OMIM 301500, HP:0001071. Disease mechanism: Fabry disease is due to inactivating mutations in the X-linked GLA gene resulting in deficiency of the enzyme Alpha Galactosidase-A., loss of function.

Submission:

Genomenon, Inc
Classification: Pathogenic for Fabry disease. Last evaluated: 2026-09-08. Review status: criteria provided, single submitter. Criteria: Genomenon Sequence Variant Interpretation Standards - Updated. Collection method: curation. Allele origin: germline. Affected: yes.
Comment: GLA c.640-2A>T is a canonical splice variant affecting the acceptor splice site of intron 4. It is predicted to affect mRNA splicing, leading to a deleterious effect on the GLA protein. This variant has been observed in at least one proband with clinical features consistent with Fabry disease (PMID:36247762). The variant was found to segregate with disease in at least one affected family (PMID:36247762). It is absent or not present at a significant frequency in gnomAD. In conclusion, we classify GLA c.640-2A>T as a pathogenic variant.

Literature cited by the submitters: PubMed 36247762.

NM_000169.3(GLA):c.640-2A>T

Genes: GLA (galactosidase alpha; minus strand), RPL36A-HNRNPH2 (RPL36A-HNRNPH2 readthrough; plus strand). Cytogenetic location: Xq22.1.
Variant type: single nucleotide variant.
Coding change: c.640-2A>T on transcript NM_000169.3 (MANE Select); the canonical splice acceptor site of the intron before coding-DNA position 640, A replaced by T.
Molecular consequence: splice acceptor variant. On other transcripts: intron variant (2).
Genome position (GRCh38, 1-based): chrX:101,398,948, T>A on the plus strand (A>T on the coding strand, the complement: GLA is on the minus strand). VCF-style: chrX-101398948-T-A. GRCh37 (hg19) VCF-style: chrX-100653936-T-A.
Other names: c.300+3491T>A (NM_001199973.2); c.177+7126T>A (NM_001199974.2); c.763-2A>T (NM_001406747.1); c.640-2A>T (NM_001406748.1).
Identifiers: ClinVar variation 4087219 (VCV004087219.2).
Genomic context (GRCh38, chrX:101,398,948, plus strand): 5'-TCAATGTCAGCAAAATTTCGCCAGTGATTGCAGTACTGTCGGATTTCTGTATAATTGGGC[T>A]GTGAAAACAGATATGACTCTTCTGTTTACTTTCTACTAACATCCTTGTGAGATGAAAACA-3'